The following is an entry in ClinVar:

ClinVar aggregate classification (germline): Uncertain significance (1 of 4 stars; one submission).

Submission:

Labcorp Genetics (formerly Invitae), Labcorp
Classification: Uncertain significance. Last evaluated: 2022-03-14. Review status: criteria provided, single submitter. Criteria: Invitae Variant Classification Sherloc (09022015). Collection method: clinical testing. Allele origin: germline.
Comment: This sequence change replaces arginine, which is basic and polar, with leucine, which is neutral and non-polar, at codon 313 of the WNT1 protein (p.Arg313Leu). Information on the frequency of this variant in the gnomAD database is not available, as this variant may be reported differently in the database. This missense change has been observed in individual(s) with osteogenesis imperfecta (Invitae). Algorithms developed to predict the effect of missense changes on protein structure and function are either unavailable or do not agree on the potential impact of this missense change (SIFT: "Not Available"; PolyPhen-2: "Probably Damaging"; Align-GVGD: "Not Available"). This variant disrupts the p.Arg313 amino acid residue in WNT1. Other variant(s) that disrupt this residue have been determined to be pathogenic (PMID: 29935254). This suggests that this residue is clinically significant, and that variants that disrupt this residue are likely to be disease-causing. In summary, the available evidence is currently insufficient to determine the role of this variant in disease. Therefore, it has been classified as a Variant of Uncertain Significance.

Literature cited by the submitters: PubMed 29935254.

NM_005430.4(WNT1):c.938_939delinsTT (p.Arg313Leu)

Gene: WNT1 (Wnt family member 1; plus strand). Cytogenetic location: 12q13.12.
Variant type: Indel.
Coding change: c.938_939delinsTT on transcript NM_005430.4 (MANE Select); coding-DNA positions 938 to 939, GC replaced by TT.
Protein change: p.Arg313Leu; replaces arginine 313 with leucine.
Molecular consequence: missense variant.
Genome position (GRCh38, 1-based): chr12:48,981,465-48,981,466, GC replaced by TT. VCF-style: chr12-48981465-GC-TT. GRCh37 (hg19) VCF-style: chr12-49375248-GC-TT.
Other names: short protein forms R313L.
Identifiers: ClinVar variation 2111780 (VCV002111780.4), dbSNP rs2498948945, ClinGen allele CA2580085682.
Genomic context (GRCh38, chr12:48,981,465, plus strand): 5'-AGAAATCGCCCAACTTCTGCACGTACAGCGGACGCCTGGGCACAGCAGGCACGGCAGGGC[GC>TT]GCCTGTAACAGCTCGTCGCCCGCGCTGGACGGCTGCGAGCTGCTCTGCTGCGGCAGGGGC-3'
Protein context (NP_005421.1, residues 303-323): GRLGTAGTAG[Arg313Leu]ACNSSSPALD